The following is an entry in ClinVar:

ClinVar aggregate classification (germline): Likely pathogenic (1 of 4 stars; one submission).

Submission:

Quest Diagnostics Nichols Institute San Juan Capistrano
Classification: Likely pathogenic. Last evaluated: 2021-11-27. Review status: criteria provided, single submitter. Criteria: ACMG/ClinGen CNV Guidelines, 2019. Collection method: clinical testing. Allele origin: unknown.
Comment: The copy number loss of 10q11.22q11.23 involves several protein-coding genes, including GDF2 (OMIM 605120). Deletions overlapping with the 10q11.2 recurrent region (LCR C-D) have been reported in individuals with developmental delay and intellectual disability, as well as variable other features, including hypotonia, sleep apnea, chronic constipation, gastroesophageal and vesicoureteral refluxes, behavioral anomalies, epilepsy, ataxia, dysphagia, nystagmus, and ptosis. The clinical variability and frequent inheritance of deletions from apparently healthy parents suggest variable phenotypic expressivity and incomplete penetrance influenced by additional genetic and/or nongenetic modifiers (Schwartz 2018, Stankiewicz 2012). The proposed 1.45 Mb smallest region of overlap of approximately 1.5 Mb between LCR-C and LCR-D is encompassed in the current deletion. Additionally, a live born fetus with no anomalies was reported who carried an overlapping 3.4-Mb inherited deletion of 10q11.22q11.23. However, it was unknown whether this individual will develop neurocognitive and/or behavioral abnormalities in the future and there was no follow-up report on that patient. The authors categorized the region as a susceptibility locus (Govaerts 2017). Further, heterozygous missense variants of GDF2 are associated with autosomal dominant hereditary hemorrhagic telangiectasia type 5 (OMIM 615506), and multiple recent studies have proposed an association between GDF2 loss of function variants and autosomal dominant pulmonary arterial hypertension (Zhu 2019, Wang 2019, Eyries 2019, Graf 2018). Thus, based on review of the current literature, this copy number variant (CNV) is interpreted as likely pathogenic. Other information: there are three genes in this copy number loss that are associated with autosomal recessive disorders: ERCC6 (OMIM 609413), CHAT (OMIM 118490), and SLC18A3 (OMIM 600336). Referenes: Eyries et al., Eur Respir J. 2019 Mar 14;53(3):1801371. PMID: 30578383. Graf et al., Nat Commun. 2018 Apr 12;9(1):1416. PMID: 29650961. Schwartz et al., Am J Med Genet A. 2018 Jan;176(1):151-155. PMID: 29130637. Stankiewicz et al., Hum Mutat. 2012 Jan; 33(1): 165â€“179. PMID: 21948486. Wang et al., Eur Respir J. 2019 Mar 14;53(3):1801609. PMID: 30578397. Zhu et al., Genome Med. 2019 Nov 14;11(1):69. PMID: 31727138.

GRCh37/hg19 10q11.22-11.23(chr10:48252675-51861565)x1

Genes: AGAP6 (ArfGAP with GTPase domain, ankyrin repeat and PH domain 6; plus strand), ANXA8 (annexin A8; minus strand), ARHGAP22 (Rho GTPase activating protein 22; minus strand), C10orf53 (chromosome 10 open reading frame 53; plus strand), C10orf71 (chromosome 10 open reading frame 71; plus strand) and 24 more. Cytogenetic location: 10q11.22-11.23.
Variant type: copy number loss.
Change: copy number 1 (one copy instead of two) of chr10:48,252,675-51,861,565 (3.61 Mb, GRCh37 coordinates, 1-based), cytogenetic band 10q11.22-11.23.
Identifiers: ClinVar variation 1807813 (VCV001807813.1).